The following is an entry in ClinVar:

NM_001282933.2(ZNF341):c.908G>A (p.Arg303Gln)

Gene: ZNF341 (zinc finger protein 341; plus strand). Cytogenetic location: 20q11.22.
Variant type: single nucleotide variant.
Coding change: c.908G>A on transcript NM_001282933.2 (MANE Select); coding-DNA position 908, G replaced by A.
Protein change: p.Arg303Gln; replaces arginine 303 with glutamine.
Molecular consequence: missense variant. On other transcripts: non-coding transcript variant (1).
Genome position (GRCh38, 1-based): chr20:33,757,314, G>A. VCF-style: chr20-33757314-G-A. GRCh37 (hg19) VCF-style: chr20-32345120-G-A.
Other names: c.638G>A, p.Arg213Gln (NM_001282935.2); c.908G>A, p.Arg303Gln (NM_032819.5); short protein forms R303Q, R213Q.
Identifiers: ClinVar variation 1913922 (VCV001913922.2), dbSNP rs749406045, ClinGen allele CA9819305.
Genomic context (GRCh38, chr20:33,757,314, plus strand): 5'-CCAGCGCCACCGGGGGCACGGTGGCCACCTTTGACTCTCCAGCAACGCTGAAGACCCGAC[G>A]AGCTAAAGGTGCCAGGGGACTCCCGGAAGGTGGGCCCCCAGCCTGCCATGGGCATCTTTC-3'
Protein context (NP_001269862.1, residues 293-313): FDSPATLKTR[Arg303Gln]AKGARGLPEA

ClinVar aggregate classification (germline): Uncertain significance (1 of 4 stars; one submission).

Allele frequency attached by ClinVar (database versions not stated): ExAC 0.00001; gnomAD exomes 0.00001.
gnomAD v4.1: 22 of 1,578,884 alleles (0.0014%); highest among the groups gnomAD compares: Non-Finnish European, 0.0015%; no homozygotes.

Submission:

Labcorp Genetics (formerly Invitae), Labcorp
Classification: Uncertain significance. Last evaluated: 2022-03-13. Review status: criteria provided, single submitter. Criteria: Invitae Variant Classification Sherloc (09022015). Collection method: clinical testing. Allele origin: germline.
Comment: This sequence change replaces arginine, which is basic and polar, with glutamine, which is neutral and polar, at codon 303 of the ZNF341 protein (p.Arg303Gln). This variant is present in population databases (rs749406045, gnomAD 0.002%). This variant has not been reported in the literature in individuals affected with ZNF341-related conditions. Algorithms developed to predict the effect of missense changes on protein structure and function (SIFT, PolyPhen-2, Align-GVGD) all suggest that this variant is likely to be disruptive. In summary, the available evidence is currently insufficient to determine the role of this variant in disease. Therefore, it has been classified as a Variant of Uncertain Significance.